The following is an entry in ClinVar:

NM_000136.3(FANCC):c.866C>T (p.Ala289Val)

Genes: AOPEP (aminopeptidase O (putative); plus strand), FANCC (FA complementation group C; minus strand). Cytogenetic location: 9q22.32.
Variant type: single nucleotide variant.
Coding change: c.866C>T on transcript NM_000136.3 (MANE Select); coding-DNA position 866, C replaced by T.
Protein change: p.Ala289Val; replaces alanine 289 with valine.
Molecular consequence: missense variant.
Genome position (GRCh38, 1-based): chr9:95,126,559, G>A on the plus strand (C>T on the coding strand, the complement: FANCC is on the minus strand). VCF-style: chr9-95126559-G-A. GRCh37 (hg19) VCF-style: chr9-97888841-G-A.
Other names: c.866C>T, p.Ala289Val (NM_001243743.2, NM_001243744.2); short protein forms A289V.
Identifiers: ClinVar variation 419068 (VCV000419068.8), dbSNP rs777732881, ClinGen allele CA5137612.
Genomic context (GRCh38, chr9:95,126,559, plus strand): 5'-AATTACTAGAAGAAACAGTGTAACGTTTACCTGAACATCTCATCAACAACCCGGAATATG[G>A]CAGGGTGGCAGGCTGCTTGAGGCTGTAAAAGGAGAAGACCATGAGAATGTGAAATATCAC-3'
Protein context (NP_000127.2, residues 279-299): SSLPQAACHP[Ala289Val]IFRVVDEMFR

ClinVar aggregate classification (germline): Uncertain significance. Review status: criteria provided, multiple submitters, no conflicts (2 of 4 stars). 3 submissions from 3 submitters: Uncertain significance (3). Last evaluated 2025-12-07.

Conditions:
Hereditary cancer-predisposing syndrome. Also called: Hereditary neoplastic syndrome; Tumor predisposition; Neoplastic Syndromes, Hereditary; Hereditary Cancer Syndrome. Identifiers: Orphanet 140162, MedGen C0027672, MeSH D009386, MONDO:0015356.
Fanconi anemia (FA). Also called: Fanconi's anemia. Identifiers: Orphanet 84, MedGen C0015625, MeSH D005199, MONDO:0019391.

Allele frequency attached by ClinVar (database versions not stated): gnomAD exomes below 0.00001; ExAC 0.00001.
gnomAD v4.1: 2 of 1,614,046 alleles (0.00012%); highest among the groups gnomAD compares: Non-Finnish European, 0.00017%; no homozygotes.

Submissions (3):

Ambry Genetics
Classification: Uncertain significance for Hereditary cancer-predisposing syndrome. Last evaluated: 2025-12-07. Review status: criteria provided, single submitter. Criteria: Ambry Variant Classification Scheme 2023. Collection method: clinical testing. Allele origin: germline.
Comment: The p.A289V variant (also known as c.866C>T), located in coding exon 8 of the FANCC gene, results from a C to T substitution at nucleotide position 866. The alanine at codon 289 is replaced by valine, an amino acid with similar properties. This amino acid position is well conserved in available vertebrate species. In addition, this alteration is predicted to be tolerated by in silico analysis. Since supporting evidence is limited at this time, the clinical significance of this alteration remains unclear.

Labcorp Genetics (formerly Invitae), Labcorp
Classification: Uncertain significance for Fanconi anemia. Last evaluated: 2022-05-26. Review status: criteria provided, single submitter. Criteria: Invitae Variant Classification Sherloc (09022015). Collection method: clinical testing. Allele origin: germline.
Comment: This sequence change replaces alanine, which is neutral and non-polar, with valine, which is neutral and non-polar, at codon 289 of the FANCC protein (p.Ala289Val). This variant is present in population databases (rs777732881, gnomAD 0.0009%). This variant has not been reported in the literature in individuals affected with FANCC-related conditions. ClinVar contains an entry for this variant (Variation ID: 419068). Algorithms developed to predict the effect of missense changes on protein structure and function are either unavailable or do not agree on the potential impact of this missense change (SIFT: "Tolerated"; PolyPhen-2: "Probably Damaging"; Align-GVGD: "Class C0"). In summary, the available evidence is currently insufficient to determine the role of this variant in disease. Therefore, it has been classified as a Variant of Uncertain Significance.

GeneDx
Classification: Uncertain significance. Last evaluated: 2021-09-21. Review status: criteria provided, single submitter. Criteria: GeneDx Variant Classification Process June 2021. Collection method: clinical testing. Allele origin: germline. Affected: yes.
Comment: Not observed at significant frequency in large population cohorts (Lek et al., 2016); In silico analysis supports that this missense variant has a deleterious effect on protein structure/function; Has not been previously published as pathogenic or benign to our knowledge